The following is an entry in ClinVar:

ClinVar aggregate classification (germline): Uncertain significance (1 of 4 stars; one submission).

Conditions:
Ullrich congenital muscular dystrophy 2 (UCMD2). Identifiers: Orphanet 75840, MedGen C4225314, MONDO:0014654, OMIM 616470.
Bethlem myopathy 2 (BTHLM2). Identifiers: Orphanet 536516, Orphanet 610, MedGen C4225313, MONDO:0034022, OMIM 616471.

Allele frequency attached by ClinVar (database versions not stated): ExAC 0.00001; gnomAD 0.00001; gnomAD exomes 0.00001; TOPMed 0.00001.

Submission:

Labcorp Genetics (formerly Invitae), Labcorp
Classification: Uncertain significance for Bethlem myopathy 2; Ullrich congenital muscular dystrophy 2. Last evaluated: 2024-12-19. Review status: criteria provided, single submitter. Criteria: Invitae Variant Classification Sherloc (09022015). Collection method: clinical testing. Allele origin: germline.
Comment: This sequence change replaces isoleucine, which is neutral and non-polar, with valine, which is neutral and non-polar, at codon 36 of the COL12A1 protein (p.Ile36Val). This variant is present in population databases (rs758437172, gnomAD 0.003%). This variant has not been reported in the literature in individuals affected with COL12A1-related conditions. ClinVar contains an entry for this variant (Variation ID: 2948310). Invitae Evidence Modeling of protein sequence and biophysical properties (such as structural, functional, and spatial information, amino acid conservation, physicochemical variation, residue mobility, and thermodynamic stability) indicates that this missense variant is not expected to disrupt COL12A1 protein function with a negative predictive value of 80%. In summary, the available evidence is currently insufficient to determine the role of this variant in disease. Therefore, it has been classified as a Variant of Uncertain Significance.

NM_004370.6(COL12A1):c.106A>G (p.Ile36Val)

Gene: COL12A1 (collagen type XII alpha 1 chain; minus strand). Cytogenetic location: 6q13.
Variant type: single nucleotide variant.
Coding change: c.106A>G on transcript NM_004370.6 (MANE Select); coding-DNA position 106, A replaced by G.
Protein change: p.Ile36Val; replaces isoleucine 36 with valine.
Molecular consequence: missense variant. On other transcripts: intron variant (2).
Genome position (GRCh38, 1-based): chr6:75,194,915, T>C on the plus strand (A>G on the coding strand, the complement: COL12A1 is on the minus strand). VCF-style: chr6-75194915-T-C. GRCh37 (hg19) VCF-style: chr6-75904631-T-C.
Other names: c.106A>G, p.Ile36Val (NM_001424114.1, NM_001424115.1, NM_001424113.1); c.73+7805A>G (NM_001424116.1, NM_080645.3); short protein forms I36V.
Identifiers: ClinVar variation 2948310 (VCV002948310.3), dbSNP rs758437172, ClinGen allele CA3894516.
Genomic context (GRCh38, chr6:75,194,915, plus strand): 5'-TGTAACCCACAATTGGATCAACTGGTTTTGCCCATGACATATGAACAGTATTTTCATCTA[T>C]AATTTTAAAATTCAAGTCTGAAGGTGGGTCAACTGCAAAAGAGAGAGTTTATATTATTAA-3'
Protein context (NP_004361.3, residues 26-46): DPPSDLNFKI[Ile36Val]DENTVHMSWA